The following is an entry in ClinVar:

ClinVar aggregate classification (germline): Pathogenic. Review status: criteria provided, multiple submitters, no conflicts (2 of 4 stars). 2 submissions from 2 submitters: Pathogenic (2). Last evaluated 2024-05-20.

Conditions:
Retinoblastoma (RB1). Also called: RETINOBLASTOMA, SOMATIC. Identifiers: Orphanet 790, MedGen C0035335, MeSH D012175, MONDO:0008380, OMIM 180200, HP:0009919. Disease mechanism: loss of function. Inheritance: Both sporadic and heritable forms are tested..

Submissions (2):

Genetic Diagnostic Laboratory, University of Pennsylvania School of Medicine
Classification: Pathogenic for Retinoblastoma. Last evaluated: 2024-05-20. Review status: criteria provided, single submitter. Criteria: ACMG Guidelines, 2015. Collection method: clinical testing. Allele origin: germline. Affected: yes. Observed: 2 variant alleles.
Comment: Case and Pedigree Information: BILATERAL CASES:2, UNILATERAL CASES:0, TOTAL CASES:2, PEDIGREES:2. ACMG Codes Applied:PVS1, PM2, PS4SUP

Labcorp Genetics (formerly Invitae), Labcorp
Classification: Pathogenic for Retinoblastoma. Last evaluated: 2019-07-22. Review status: criteria provided, single submitter. Criteria: Invitae Variant Classification Sherloc (09022015). Collection method: clinical testing. Allele origin: germline.
Comment: A different variant affecting this nucleotide (c.861G>C) has been determined to be pathogenic (PMID: 11317357, 26539030, 22084214). This suggests that this nucleotide is important for normal RNA splicing, and that other variants at this position may also be pathogenic. Nucleotide substitutions within the consensus splice site are a relatively common cause of aberrant splicing (PMID: 17576681, 9536098). Algorithms developed to predict the effect of sequence changes on RNA splicing suggest that this variant may disrupt the consensus splice site, but this prediction has not been confirmed by published transcriptional studies. This variant has been reported in individuals affected with retinoblastoma, including one case of bilateral retinoblastoma in which the variant was shown to have arisen de novo (PMID: 24225018, Invitae). This variant is not present in population databases (ExAC no frequency). This sequence change affects codon 287 of the RB1 mRNA. It is a 'silent' change, meaning that it does not change the encoded amino acid sequence of the RB1 protein. This variant also falls at the last nucleotide of exon 8 of the RB1 coding sequence, which is part of the consensus splice site for this exon. For these reasons, this variant has been classified as Pathogenic.

Literature cited by the submitters: PubMed 11317357 (cited by Labcorp Genetics (formerly Invitae), Labcorp); PubMed 26539030 (cited by Labcorp Genetics (formerly Invitae), Labcorp); PubMed 22084214 (cited by Labcorp Genetics (formerly Invitae), Labcorp); PubMed 17576681 (cited by Labcorp Genetics (formerly Invitae), Labcorp); PubMed 9536098 (cited by Labcorp Genetics (formerly Invitae), Labcorp); PubMed 24225018 (cited by Labcorp Genetics (formerly Invitae), Labcorp).

NM_000321.3(RB1):c.861G>A (p.Glu287=)

Gene: RB1 (RB transcriptional corepressor 1; plus strand). Cytogenetic location: 13q14.2.
Variant type: single nucleotide variant.
Coding change: c.861G>A on transcript NM_000321.3 (MANE Select); coding-DNA position 861, G replaced by A.
Protein change: p.Glu287=; no amino-acid change (glutamic acid 287 retained).
Molecular consequence: synonymous variant.
Genome position (GRCh38, 1-based): chr13:48,362,957, G>A. VCF-style: chr13-48362957-G-A. GRCh37 (hg19) VCF-style: chr13-48937093-G-A.
Identifiers: ClinVar variation 527929 (VCV000527929.13), dbSNP rs1555284956, ClinGen allele CA483557973.